The following is an entry in ClinVar:

NM_016239.4(MYO15A):c.9310G>A (p.Gly3104Arg)

Gene: MYO15A (myosin XVA; plus strand). Cytogenetic location: 17p11.2.
Variant type: single nucleotide variant.
Coding change: c.9310G>A on transcript NM_016239.4 (MANE Select); coding-DNA position 9310, G replaced by A.
Protein change: p.Gly3104Arg; replaces glycine 3104 with arginine.
Molecular consequence: missense variant.
Genome position (GRCh38, 1-based): chr17:18,159,941, G>A. VCF-style: chr17-18159941-G-A. GRCh37 (hg19) VCF-style: chr17-18063255-G-A.
Other names: c.9310G>A (NM_016239.3); short protein forms G3104R.
Identifiers: ClinVar variation 1382451 (VCV001382451.8), dbSNP rs781537466, ClinGen allele CA8425505.

ClinVar aggregate classification (germline): Uncertain significance. Review status: criteria provided, multiple submitters, no conflicts (2 of 4 stars). 3 submissions from 3 submitters: Uncertain significance (3). Last evaluated 2025-06-23.

Allele frequency attached by ClinVar (database versions not stated): gnomAD 0.00001; ExAC 0.00003; gnomAD exomes 0.00003 and 0.00006; TOPMed 0.00005.
gnomAD v4.1: 41 of 1,613,934 alleles (0.0025%); highest among the groups gnomAD compares: Admixed American, 0.018%; no homozygotes.

Submissions (3):

GeneDx
Classification: Uncertain significance. Last evaluated: 2025-06-23. Review status: criteria provided, single submitter. Criteria: GeneDx Variant Classification Process June 2021. Collection method: clinical testing. Allele origin: germline.
Comment: Not observed at significant frequency in large population cohorts (gnomAD); In silico analysis supports that this missense variant has a deleterious effect on protein structure/function; In silico analysis suggests this variant may impact gene splicing. In the absence of RNA/functional studies, the actual effect of this sequence change is unknown.; Has not been previously published as pathogenic or benign to our knowledge

Blueprint Genetics
Classification: Uncertain significance. Last evaluated: 2024-09-06. Review status: criteria provided, single submitter. Criteria: ACMG Guidelines, 2015. Collection method: clinical testing. Allele origin: germline.

Labcorp Genetics (formerly Invitae), Labcorp
Classification: Uncertain significance. Last evaluated: 2022-05-25. Review status: criteria provided, single submitter. Criteria: Invitae Variant Classification Sherloc (09022015). Collection method: clinical testing. Allele origin: germline.
Comment: This sequence change replaces glycine, which is neutral and non-polar, with arginine, which is basic and polar, at codon 3104 of the MYO15A protein (p.Gly3104Arg). This variant is present in population databases (rs781537466, gnomAD 0.03%). This variant has not been reported in the literature in individuals affected with MYO15A-related conditions. Advanced modeling of protein sequence and biophysical properties (such as structural, functional, and spatial information, amino acid conservation, physicochemical variation, residue mobility, and thermodynamic stability) performed at Invitae indicates that this missense variant is not expected to disrupt MYO15A protein function. Algorithms developed to predict the effect of sequence changes on RNA splicing suggest that this variant may create or strengthen a splice site. In summary, the available evidence is currently insufficient to determine the role of this variant in disease. Therefore, it has been classified as a Variant of Uncertain Significance.